The following is an entry in ClinVar:

ClinVar aggregate classification (germline): Likely pathogenic. Review status: criteria provided, multiple submitters, no conflicts (2 of 4 stars). 4 submissions from 4 submitters: Likely pathogenic (4). Last evaluated 2025-11-17.

Conditions:
LZTR1-related schwannomatosis. Also called: Schwannomatosis 2; Schwannomatosis-2, susceptibility to. Identifiers: Orphanet 93921, MedGen C3810283, MONDO:0014299, OMIM 615670.
Cardiovascular phenotype. Identifiers: MedGen CN230736.
Hereditary cancer-predisposing syndrome. Also called: Hereditary Cancer Syndrome; Neoplastic Syndromes, Hereditary; Tumor predisposition; Hereditary neoplastic syndrome. Identifiers: Orphanet 140162, MedGen C0027672, MeSH D009386, MONDO:0015356.

gnomAD v4.1: 1 of 1,610,966 alleles (0.000062%); highest among the groups gnomAD compares: Non-Finnish European, 0.000085%; no homozygotes.

Submissions (4):

Labcorp Genetics (formerly Invitae), Labcorp
Classification: Likely pathogenic. Last evaluated: 2025-11-17. Review status: criteria provided, single submitter. Criteria: Invitae Variant Classification Sherloc (09022015). Collection method: clinical testing. Allele origin: germline.
Comment: This sequence change affects a donor splice site in intron 1 of the LZTR1 gene. It is expected to disrupt RNA splicing. Variants that disrupt the donor or acceptor splice site typically lead to a loss of protein function (PMID: 16199547), and loss-of-function variants in LZTR1 are known to be pathogenic (PMID: 24362817, 25335493, 25480913, 25795793, 29469822, 30368668, 30442762, 30442766, 30481304, 30859559). This variant is not present in population databases (gnomAD no frequency). Disruption of this splice site has been observed in individual(s) with LZTR1-related conditions (internal data). ClinVar contains an entry for this variant (Variation ID: 2441303). Algorithms developed to predict the effect of sequence changes on RNA splicing suggest that this variant may disrupt the consensus splice site. In summary, the currently available evidence indicates that the variant is pathogenic, but additional data are needed to prove that conclusively. Therefore, this variant has been classified as Likely Pathogenic.

Ambry Genetics
Classification: Likely pathogenic for Cardiovascular phenotype; Hereditary cancer-predisposing syndrome. Last evaluated: 2024-12-02. Review status: criteria provided, single submitter. Criteria: Ambry Variant Classification Scheme 2023. Collection method: clinical testing. Allele origin: germline.
Comment: The c.200+2T>C intronic variant results from a T to C substitution two nucleotides after coding exon 1 in the LZTR1 gene. This variant is considered to be rare based on population cohorts in the Genome Aggregation Database (gnomAD). This nucleotide position is highly conserved in available vertebrate species. In silico splice site analysis predicts that this alteration will weaken the native splice donor site and will result in the creation or strengthening of a novel splice donor site. RNA studies have demonstrated that this alteration results in abnormal splicing in the set of samples tested (Ambry internal data). Loss-of-function variants in LZTR1 are related to an increased risk for schwannomas and autosomal recessive Noonan syndrome; however, such associations with autosomal dominant Noonan syndrome have not been observed (Piotrowski A et al. Nat Genet. 2014 Feb;46:182-7; Yamamoto GL et al. J Med Genet. 2015 Jun;52:413-21; Johnston JJ et al. Genet Med. 2018 10;20:1175-1185). Based on the supporting evidence, this variant is likely pathogenic for an increased risk of LZTR1-related schwannomatosis (SWN) and would be expected to cause autosomal recessive Noonan syndrome when present along with a second pathogenic or likely pathogenic variant on the other allele; however, the association of this alteration with autosomal dominant Noonan syndrome is unlikely.

Baylor Genetics
Classification: Likely pathogenic for LZTR1-related schwannomatosis. Last evaluated: 2024-03-27. Review status: criteria provided, single submitter. Criteria: ACMG Guidelines, 2015. Collection method: clinical testing. Allele origin: unknown.

Revvity Omics, Revvity
Classification: Likely pathogenic. Last evaluated: 2022-03-22. Review status: criteria provided, single submitter. Criteria: ACMG Guidelines, 2015. Collection method: clinical testing. Allele origin: germline.

Literature cited by the submitters: PubMed 16199547 (cited by Labcorp Genetics (formerly Invitae), Labcorp); PubMed 24362817 (cited by Labcorp Genetics (formerly Invitae), Labcorp); PubMed 25335493 (cited by Labcorp Genetics (formerly Invitae), Labcorp); PubMed 25480913 (cited by Labcorp Genetics (formerly Invitae), Labcorp); PubMed 25795793 (cited by Labcorp Genetics (formerly Invitae), Labcorp); PubMed 29469822 (cited by Labcorp Genetics (formerly Invitae), Labcorp); PubMed 30368668 (cited by Labcorp Genetics (formerly Invitae), Labcorp); PubMed 30442762 (cited by Labcorp Genetics (formerly Invitae), Labcorp); PubMed 30442766 (cited by Labcorp Genetics (formerly Invitae), Labcorp); PubMed 30481304 (cited by Labcorp Genetics (formerly Invitae), Labcorp); PubMed 30859559 (cited by Labcorp Genetics (formerly Invitae), Labcorp).

NM_006767.4(LZTR1):c.200+2T>C

Gene: LZTR1 (leucine zipper like post translational regulator 1; plus strand). Cytogenetic location: 22q11.21.
Variant type: single nucleotide variant.
Coding change: c.200+2T>C on transcript NM_006767.4 (MANE Select); the canonical splice donor site of the intron after coding-DNA position 200, T replaced by C.
Molecular consequence: splice donor variant.
Genome position (GRCh38, 1-based): chr22:20,982,573, T>C. VCF-style: chr22-20982573-T-C. GRCh37 (hg19) VCF-style: chr22-21336862-T-C.
Other names: c.200+2T>C (NM_006767.3).
Identifiers: ClinVar variation 2441303 (VCV002441303.8), dbSNP rs573971763, ClinGen allele CA410778209.